The following is an entry in ClinVar:

NM_173500.4(TTBK2):c.1232dup (p.Asn412fs)

Gene: TTBK2 (tau tubulin kinase 2; minus strand). Cytogenetic location: 15q15.2.
Variant type: Duplication.
Coding change: c.1232dup on transcript NM_173500.4 (MANE Select); coding-DNA position 1232, one base duplicated (C; older notation c.1232dupC).
Protein change: p.Asn412fs; shifts the reading frame from asparagine 412.
Molecular consequence: frameshift variant.
Genome position (GRCh38, 1-based): chr15:42,777,208, G duplicated on the plus strand (C on the coding strand, the reverse complement: TTBK2 is on the minus strand). VCF-style (leftmost placement, unchanged base first): chr15-42777207-T-TG. GRCh37 (hg19) VCF-style: chr15-43069405-T-TG.
Other names: short protein forms N412fs.
Identifiers: ClinVar variation 1256330 (VCV001256330.1), dbSNP rs2140770415, ClinGen allele CA2499222926.

ClinVar aggregate classification (germline): Pathogenic (1 of 4 stars; one submission).

Submission:

Athena Diagnostics
Classification: Pathogenic. Last evaluated: 2020-10-16. Review status: criteria provided, single submitter. Criteria: Athena Diagnostics criteria. Collection method: clinical testing. Allele origin: unknown.
Comment: This variant is expected to result in the loss of a functional protein. This variant has not been reported in large, multi-ethnic general populations. This variant has been identified in at least one individual with clinical features associated with this gene.